The following is an entry in ClinVar:

ClinVar aggregate classification (germline): Uncertain significance. Review status: criteria provided, multiple submitters, no conflicts (2 of 4 stars). 3 submissions from 3 submitters: Uncertain significance (3). Last evaluated 2026-09-22.

Conditions:
KIDINS220-related disorder. Also called: KIDINS220-related condition.
Inborn genetic diseases. Identifiers: MedGen C0950123, MeSH D030342.

Allele frequency attached by ClinVar (database versions not stated): gnomAD 0.00001; ExAC 0.00002; TOPMed 0.00002; ESP Exome Variant Server 0.00008.

Submissions (3):

PreventionGenetics, part of Exact Sciences
Classification: Uncertain significance for KIDINS220-related condition. Last evaluated: 2026-09-22. Review status: criteria provided, single submitter. Criteria: ACMG Guidelines, 2015. Collection method: clinical testing. Allele origin: germline.
Comment: The KIDINS220 c.769G>A variant is predicted to result in the amino acid substitution p.Asp257Asn. To our knowledge, this variant has not been reported in the literature. This variant is reported in 0.0053% of alleles in individuals of European (Non-Finnish) descent in gnomAD. At this time, the clinical significance of this variant is uncertain due to the absence of conclusive functional and genetic evidence.

Labcorp Genetics (formerly Invitae), Labcorp
Classification: Uncertain significance. Last evaluated: 2023-07-28. Review status: criteria provided, single submitter. Criteria: Invitae Variant Classification Sherloc (09022015). Collection method: clinical testing. Allele origin: germline.
Comment: In summary, the available evidence is currently insufficient to determine the role of this variant in disease. Therefore, it has been classified as a Variant of Uncertain Significance. An algorithm developed to predict the effect of missense changes on protein structure and function (PolyPhen-2) suggests that this variant is likely to be disruptive. ClinVar contains an entry for this variant (Variation ID: 2470227). This variant has not been reported in the literature in individuals affected with KIDINS220-related conditions. This variant is present in population databases (rs367738361, gnomAD 0.005%). This sequence change replaces aspartic acid, which is acidic and polar, with asparagine, which is neutral and polar, at codon 257 of the KIDINS220 protein (p.Asp257Asn).

Ambry Genetics
Classification: Uncertain significance for Inborn genetic diseases. Last evaluated: 2023-03-06. Review status: criteria provided, single submitter. Criteria: Ambry Variant Classification Scheme 2023. Collection method: clinical testing. Allele origin: germline.

NM_020738.4(KIDINS220):c.769G>A (p.Asp257Asn)

Gene: KIDINS220 (kinase D interacting substrate 220; minus strand). Cytogenetic location: 2p25.1.
Variant type: single nucleotide variant.
Coding change: c.769G>A on transcript NM_020738.4 (MANE Select); coding-DNA position 769, G replaced by A.
Protein change: p.Asp257Asn; replaces aspartic acid 257 with asparagine.
Molecular consequence: missense variant. On other transcripts: non-coding transcript variant (2).
Genome position (GRCh38, 1-based): chr2:8,802,962, C>T on the plus strand (G>A on the coding strand, the complement: KIDINS220 is on the minus strand). VCF-style: chr2-8802962-C-T. GRCh37 (hg19) VCF-style: chr2-8943092-C-T.
Other names: c.769G>A, p.Asp257Asn (NM_001348735.2, NM_001348738.2, NM_001348741.2 and 3 more transcripts); c.643G>A, p.Asp215Asn (NM_001348736.2); c.772G>A, p.Asp258Asn (NM_001348739.2, NM_001348740.2, NM_001348745.2 and 3 more transcripts); short protein forms D215N, D257N, D258N.
Identifiers: ClinVar variation 2470227 (VCV002470227.8), dbSNP rs367738361, ClinGen allele CA1520357.